The following is an entry in ClinVar:

NM_001365088.1(SLC12A6):c.1334-1G>C

Gene: SLC12A6 (solute carrier family 12 member 6; minus strand). Cytogenetic location: 15q14.
Variant type: single nucleotide variant.
Coding change: c.1334-1G>C on transcript NM_001365088.1 (MANE Select); the canonical splice acceptor site of the intron before coding-DNA position 1334, G replaced by C.
Molecular consequence: splice acceptor variant.
Genome position (GRCh38, 1-based): chr15:34,251,058, C>G on the plus strand (G>C on the coding strand, the complement: SLC12A6 is on the minus strand). VCF-style: chr15-34251058-C-G. GRCh37 (hg19) VCF-style: chr15-34543259-C-G.
Other names: c.1157-1G>C (NM_001042495.2, NM_001042494.2); c.1307-1G>C (NM_001042496.2); c.1289-1G>C (NM_001042497.2); c.1334-1G>C (NM_133647.2); c.1181-1G>C (NM_005135.2).
Identifiers: ClinVar variation 2753725 (VCV002753725.3), dbSNP rs2509804742, ClinGen allele CA391606432.

ClinVar aggregate classification (germline): Likely pathogenic (1 of 4 stars; one submission).

Submission:

Labcorp Genetics (formerly Invitae), Labcorp
Classification: Likely pathogenic. Last evaluated: 2023-08-18. Review status: criteria provided, single submitter. Criteria: Invitae Variant Classification Sherloc (09022015). Collection method: clinical testing. Allele origin: germline.
Comment: In summary, the currently available evidence indicates that the variant is pathogenic, but additional data are needed to prove that conclusively. Therefore, this variant has been classified as Likely Pathogenic. Algorithms developed to predict the effect of sequence changes on RNA splicing suggest that this variant may disrupt the consensus splice site. This variant has not been reported in the literature in individuals affected with SLC12A6-related conditions. This variant is not present in population databases (gnomAD no frequency). This sequence change affects an acceptor splice site in intron 9 of the SLC12A6 gene. It is expected to disrupt RNA splicing. Variants that disrupt the donor or acceptor splice site typically lead to a loss of protein function (PMID: 16199547), and loss-of-function variants in SLC12A6 are known to be pathogenic (PMID: 12368912, 16606917).

Literature cited by the submitters: PubMed 16199547; PubMed 12368912; PubMed 16606917.